The following is an entry in ClinVar:

ClinVar aggregate classification (germline): Likely pathogenic (1 of 4 stars; one submission).

Conditions:
Neurodevelopmental disorder with hypotonia, neuropathy, and deafness (NEDHND). Also called: SPTBN4 Disorder; Myopathy, congenital, with neuropathy and deafness. Identifiers: MedGen C4479603, MONDO:0060496, OMIM 617519.

Submission:

Juno Genomics, Hangzhou Juno Genomics, Inc
Classification: Likely pathogenic for Neurodevelopmental disorder with hypotonia, neuropathy, and deafness. Review status: criteria provided, single submitter. Criteria: ACMG Guidelines, 2015. Collection method: clinical testing. Allele origin: germline. Affected: yes.
Comment: Absent from controls (or at extremely low frequency if recessive) in Genome Aggregation Database, Exome Sequencing Project, 1000 Genomes Project, or Exome Aggregation Consortium.;Null variant in a gene where loss of function (LOF) is a known mechanism of disease.

NM_020971.3(SPTBN4):c.2326_2341dup (p.Asp781delinsAlaProValArgArgTer)

Gene: SPTBN4 (spectrin beta, non-erythrocytic 4; plus strand). Cytogenetic location: 19q13.2.
Variant type: Duplication.
Coding change: c.2326_2341dup on transcript NM_020971.3 (MANE Select); coding-DNA positions 2326 to 2341, 16 bases duplicated (CACCAGTTCGGCGCTG).
Protein change: p.Asp781delinsAlaProValArgArgTer.
Molecular consequence: nonsense.
Genome position (GRCh38, 1-based): chr19:40,513,115-40,513,130, CACCAGTTCGGCGCTG duplicated; duplicating any 16 consecutive bases within chr19:40,513,108-40,513,130 gives the same sequence; the c. name uses the placement nearest the transcript's 3' end. VCF-style (leftmost placement, unchanged base first): chr19-40513107-G-GGGCGCTGCACCAGTTC. GRCh37 (hg19) VCF-style: chr19-41019014-G-GGGCGCTGCACCAGTTC.
Identifiers: ClinVar variation 3392510 (VCV003392510.2).